The following is an entry in ClinVar:

ClinVar aggregate classification (germline): Uncertain significance (1 of 4 stars; one submission).

Allele frequency attached by ClinVar (database versions not stated): gnomAD 0.00001; TOPMed 0.00005; ExAC 0.00007; ESP Exome Variant Server 0.00008.
gnomAD v4.1: 26 of 1,612,996 alleles (0.0016%); highest among the groups gnomAD compares: Admixed American, 0.033%; no homozygotes.

Submission:

Labcorp Genetics (formerly Invitae), Labcorp
Classification: Uncertain significance. Last evaluated: 2022-08-18. Review status: criteria provided, single submitter. Criteria: Invitae Variant Classification Sherloc (09022015). Collection method: clinical testing. Allele origin: germline.
Comment: This sequence change replaces arginine, which is basic and polar, with glutamine, which is neutral and polar, at codon 509 of the CACNA1B protein (p.Arg509Gln). This variant is present in population databases (rs201640046, gnomAD 0.04%). This variant has not been reported in the literature in individuals affected with CACNA1B-related conditions. Advanced modeling of protein sequence and biophysical properties (such as structural, functional, and spatial information, amino acid conservation, physicochemical variation, residue mobility, and thermodynamic stability) performed at Invitae indicates that this missense variant is not expected to disrupt CACNA1B protein function. In summary, the available evidence is currently insufficient to determine the role of this variant in disease. Therefore, it has been classified as a Variant of Uncertain Significance.

NM_000718.4(CACNA1B):c.1526G>A (p.Arg509Gln)

Gene: CACNA1B (calcium voltage-gated channel subunit alpha1 B; plus strand). Cytogenetic location: 9q34.3.
Variant type: single nucleotide variant.
Coding change: c.1526G>A on transcript NM_000718.4 (MANE Select); coding-DNA position 1526, G replaced by A.
Protein change: p.Arg509Gln; replaces arginine 509 with glutamine.
Molecular consequence: missense variant.
Genome position (GRCh38, 1-based): chr9:137,971,575, G>A. VCF-style: chr9-137971575-G-A. GRCh37 (hg19) VCF-style: chr9-140866027-G-A.
Other names: c.1526G>A, p.Arg509Gln (NM_001243812.2); short protein forms R509Q.
Identifiers: ClinVar variation 2202200 (VCV002202200.1), dbSNP rs201640046, ClinGen allele CA5376187.